The following is an entry in ClinVar:

ClinVar aggregate classification (germline): Pathogenic (1 of 4 stars; one submission).

Conditions:
Fabry disease. Also called: ALPHA-GALACTOSIDASE A DEFICIENCY; ANDERSON-FABRY DISEASE; CERAMIDE TRIHEXOSIDASE DEFICIENCY; GLA DEFICIENCY; HEREDITARY DYSTOPIC LIPIDOSIS; Angiokeratoma corporis diffusum. Identifiers: Orphanet 324, MedGen C0002986, MONDO:0010526, OMIM 301500, HP:0001071. Disease mechanism: Fabry disease is due to inactivating mutations in the X-linked GLA gene resulting in deficiency of the enzyme Alpha Galactosidase-A., loss of function.

Submission:

Genomenon, Inc
Classification: Pathogenic for Fabry disease. Last evaluated: 2026-09-08. Review status: criteria provided, single submitter. Criteria: Genomenon Sequence Variant Interpretation Standards - Updated. Collection method: curation. Allele origin: germline. Affected: yes.
Comment: GLA c.640-2A>C is a canonical splice variant affecting the acceptor splice site of intron 4. It is predicted to affect mRNA splicing, leading to a deleterious effect on the GLA protein. This variant has been observed in at least one proband with clinical features consistent with Fabry disease (PMID:27939050). It is absent or not present at a significant frequency in gnomAD. In conclusion, we classify GLA c.640-2A>C as a pathogenic variant.

Literature cited by the submitters: PubMed 27939050.

NM_000169.3(GLA):c.640-2A>C

Genes: GLA (galactosidase alpha; minus strand), RPL36A-HNRNPH2 (RPL36A-HNRNPH2 readthrough; plus strand). Cytogenetic location: Xq22.1.
Variant type: single nucleotide variant.
Coding change: c.640-2A>C on transcript NM_000169.3 (MANE Select); the canonical splice acceptor site of the intron before coding-DNA position 640, A replaced by C.
Molecular consequence: splice acceptor variant. On other transcripts: intron variant (2).
Genome position (GRCh38, 1-based): chrX:101,398,948, T>G on the plus strand (A>C on the coding strand, the complement: GLA is on the minus strand). VCF-style: chrX-101398948-T-G. GRCh37 (hg19) VCF-style: chrX-100653936-T-G.
Other names: c.300+3491T>G (NM_001199973.2); c.177+7126T>G (NM_001199974.2); c.763-2A>C (NM_001406747.1); c.640-2A>C (NM_001406748.1).
Identifiers: ClinVar variation 4087218 (VCV004087218.2).
Genomic context (GRCh38, chrX:101,398,948, plus strand): 5'-TCAATGTCAGCAAAATTTCGCCAGTGATTGCAGTACTGTCGGATTTCTGTATAATTGGGC[T>G]GTGAAAACAGATATGACTCTTCTGTTTACTTTCTACTAACATCCTTGTGAGATGAAAACA-3'